The following is an entry in ClinVar:

NC_000013.11:g.(?_32370382)_(32371120_?)del

Gene: BRCA2 (BRCA2 DNA repair associated; plus strand). Cytogenetic location: 13q13.1.
Variant type: Deletion.
Identifiers: ClinVar variation 584395 (VCV000584395.10).

ClinVar aggregate classification (germline): Pathogenic (1 of 4 stars; one submission).

Conditions:
Hereditary breast ovarian cancer syndrome. Also called: Hereditary breast and ovarian cancer syndrome; Hereditary breast and/or ovarian cancer syndrome; Hereditary breast and ovarian cancer syndrome (HBOC); Breast and ovarian cancer; BRCA1- and BRCA2-Associated Hereditary Breast and Ovarian Cancer; Hereditary breast and ovarian cancer. Identifiers: Orphanet 145, MedGen C0677776, MeSH D061325, MONDO:0003582. Disease mechanism: loss of function.

Submission:

Labcorp Genetics (formerly Invitae), Labcorp
Classification: Pathogenic for Hereditary breast ovarian cancer syndrome. Last evaluated: 2023-09-05. Review status: criteria provided, single submitter. Criteria: Invitae Variant Classification Sherloc (09022015). Collection method: clinical testing. Allele origin: germline.
Comment: This variant is a gross deletion of the genomic region encompassing exon(s) 19-20 of the BRCA2 gene. This deletion is out-of-frame, and is expected to create a premature termination codon and result in an absent or disrupted protein product. Loss-of-function variants in BRCA2 are known to be pathogenic (PMID: 20104584). A similar copy number variant has been observed in individual(s) with hereditary breast and/or ovarian cancer and prostate cancer (PMID: 17688236, 18445692, 25678442, 28595730). For these reasons, this variant has been classified as Pathogenic.

Literature cited by the submitters: PubMed 20104584; PubMed 17688236; PubMed 18445692; PubMed 25678442; PubMed 28595730.